The following is an entry in ClinVar:

NM_025144.4(ALPK1):c.1614C>G (p.Asn538Lys)

Gene: ALPK1 (alpha kinase 1; plus strand). Cytogenetic location: 4q25.
Variant type: single nucleotide variant.
Coding change: c.1614C>G on transcript NM_025144.4 (MANE Select); coding-DNA position 1614, C replaced by G.
Protein change: p.Asn538Lys; replaces asparagine 538 with lysine.
Molecular consequence: missense variant.
Genome position (GRCh38, 1-based): chr4:112,431,161, C>G. VCF-style: chr4-112431161-C-G. GRCh37 (hg19) VCF-style: chr4-113352317-C-G.
Other names: c.1614C>G, p.Asn538Lys (NM_001102406.2); c.1380C>G, p.Asn460Lys (NM_001253884.2); c.1614C>G (NM_025144.3); short protein forms N538K, N460K.
Identifiers: ClinVar variation 2162041 (VCV002162041.6), dbSNP rs759168574, ClinGen allele CA3046759.

ClinVar aggregate classification (germline): Uncertain significance. Review status: criteria provided, multiple submitters, no conflicts (2 of 4 stars). 2 submissions from 2 submitters: Uncertain significance (2). Last evaluated 2024-11-22.

Conditions:
Inborn genetic diseases. Identifiers: MedGen C0950123, MeSH D030342.

Allele frequency attached by ClinVar (database versions not stated): ExAC 0.00001; gnomAD 0.00001; gnomAD exomes 0.00002; TOPMed 0.00002.
gnomAD v4.1: 31 of 1,614,046 alleles (0.0019%); highest among the groups gnomAD compares: Admixed American, 0.005%; no homozygotes.

Submissions (2):

Ambry Genetics
Classification: Uncertain significance for Inborn genetic diseases. Last evaluated: 2024-11-22. Review status: criteria provided, single submitter. Criteria: Ambry Variant Classification Scheme 2023. Collection method: clinical testing. Allele origin: germline.

Labcorp Genetics (formerly Invitae), Labcorp
Classification: Uncertain significance. Last evaluated: 2024-05-26. Review status: criteria provided, single submitter. Criteria: Invitae Variant Classification Sherloc (09022015). Collection method: clinical testing. Allele origin: germline.
Comment: This sequence change replaces asparagine, which is neutral and polar, with lysine, which is basic and polar, at codon 538 of the ALPK1 protein (p.Asn538Lys). This variant is present in population databases (rs759168574, gnomAD 0.003%). This variant has not been reported in the literature in individuals affected with ALPK1-related conditions. ClinVar contains an entry for this variant (Variation ID: 2162041). Advanced modeling of protein sequence and biophysical properties (such as structural, functional, and spatial information, amino acid conservation, physicochemical variation, residue mobility, and thermodynamic stability) performed at Invitae indicates that this missense variant is not expected to disrupt ALPK1 protein function with a negative predictive value of 80%. In summary, the available evidence is currently insufficient to determine the role of this variant in disease. Therefore, it has been classified as a Variant of Uncertain Significance.